The following is an entry in ClinVar:

ClinVar aggregate classification (germline): Conflicting classifications of pathogenicity. Review status: criteria provided, conflicting classifications (1 of 4 stars). 3 submissions from 1 submitter: Uncertain significance (2); Likely benign (1). Last evaluated 2018-01-13.

Conditions:
Glucocorticoid-remediable aldosteronism. Also called: Hyperaldosteronism, familial, type I; ACTH-DEPENDENT HYPERALDOSTERONISM SYNDROME; ALDOSTERONISM, SENSITIVE TO DEXAMETHASONE; FH I; GLUCOCORTICOID-SUPPRESSIBLE HYPERALDOSTERONISM. Identifiers: Orphanet 403, MedGen C3838731, MONDO:0007080, OMIM 103900.
Corticosterone methyloxidase type 2 deficiency. Also called: 18-OXIDASE DEFICIENCY; ALDOSTERONE DEFICIENCY DUE TO DEFICIENCY OF STEROID 18-OXIDASE; ALDOSTERONE DEFICIENCY II; CMO II DEFICIENCY; STEROID 18-OXIDASE DEFICIENCY. Identifiers: Orphanet 427, MedGen C3463917, MONDO:0012524, OMIM 610600. Disease mechanism: loss of function.
Corticosterone 18-monooxygenase deficiency. Also called: ALDOSTERONE DEFICIENCY DUE TO DEFECT IN STEROID 18-HYDROXYLASE; ALDOSTERONE DEFICIENCY I; CMO I DEFICIENCY; STEROID 18-HYDROXYLASE DEFICIENCY; 18 Hydroxylase deficiency; Aldosterone deficiency due to defect in 18 hydroxylase. Identifiers: Orphanet 427, MedGen C0268293, MONDO:0008751, OMIM 203400. Disease mechanism: loss of function.

Allele frequency attached by ClinVar (database versions not stated): gnomAD 0.00003; TOPMed 0.00003; gnomAD exomes 0.00006 and 0.00009; ExAC 0.00007; ESP Exome Variant Server 0.00015.

Submissions (3):

Illumina Laboratory Services, Illumina
Classification: Uncertain significance for Corticosterone 18-monooxygenase deficiency. Last evaluated: 2018-01-13. Review status: criteria provided, single submitter. Criteria: ICSL Variant Classification Criteria 13 December 2019. Collection method: clinical testing. Allele origin: germline.

Illumina Laboratory Services, Illumina
Classification: Likely benign for Hyperaldosteronism, familial, type I. Last evaluated: 2018-01-13. Review status: criteria provided, single submitter. Criteria: ICSL Variant Classification Criteria 13 December 2019. Collection method: clinical testing. Allele origin: germline.
Comment: This variant was observed in the ICSL laboratory as part of a predisposition screen in an ostensibly healthy population. It had not been previously curated by ICSL or reported in the Human Gene Mutation Database (HGMD: prior to June 1st, 2018), and was therefore a candidate for classification through an automated scoring system. Utilizing variant allele frequency, disease prevalence and penetrance estimates, and inheritance mode, an automated score was calculated to assess if this variant is too frequent to cause the disease. Based on the score and internal cut-off values, a variant classified as likely benign is not then subjected to further curation. The score for this variant resulted in a classification of likely benign for this disease.

Illumina Laboratory Services, Illumina
Classification: Uncertain significance for Corticosterone methyloxidase type 2 deficiency. Last evaluated: 2018-01-13. Review status: criteria provided, single submitter. Criteria: ICSL Variant Classification Criteria 13 December 2019. Collection method: clinical testing. Allele origin: germline.

NM_000498.3(CYP11B2):c.674A>G (p.His225Arg)

Genes: CYP11B2 (cytochrome P450 family 11 subfamily B member 2; minus strand), LOC106799834 (CYP11B2 recombination region; plus strand). Cytogenetic location: 8q24.3.
Variant type: single nucleotide variant.
Coding change: c.674A>G on transcript NM_000498.3 (MANE Select); coding-DNA position 674, A replaced by G.
Protein change: p.His225Arg; replaces histidine 225 with arginine.
Molecular consequence: missense variant.
Genome position (GRCh38, 1-based): chr8:142,914,830, T>C on the plus strand (A>G on the coding strand, the complement: CYP11B2 is on the minus strand). VCF-style: chr8-142914830-T-C. GRCh37 (hg19) VCF-style: chr8-143996246-T-C.
Other names: short protein forms H225R.
Identifiers: ClinVar variation 362213 (VCV000362213.5), dbSNP rs144140791, ClinGen allele CA4906125.